The following is an entry in ClinVar:

NM_000051.4(ATM):c.3771A>C (p.Pro1257=)

Gene: ATM (ATM serine/threonine kinase; plus strand). Cytogenetic location: 11q22.3.
Variant type: single nucleotide variant.
Coding change: c.3771A>C on transcript NM_000051.4 (MANE Select); coding-DNA position 3771, A replaced by C.
Protein change: p.Pro1257=; no amino-acid change (proline 1257 retained).
Molecular consequence: synonymous variant.
Genome position (GRCh38, 1-based): chr11:108,284,251, A>C. VCF-style: chr11-108284251-A-C. GRCh37 (hg19) VCF-style: chr11-108154978-A-C.
Other names: c.3771A>C, p.Pro1257= (NM_001351834.2).
Identifiers: ClinVar variation 389084 (VCV000389084.18), dbSNP rs1057523320, ClinGen allele CA16606065.
Genomic context (GRCh38, chr11:108,284,251, plus strand): 5'-ATATATAACCTGTATTTTAAATTTTTCTATTTTTAGATCTTGTTATAAGGTTTTGATTCC[A>C]CATCTGGTGATTAGAAGTCATTTTGATGAGGTGAAGTCCATTGCTAATCAGATTCAAGAG-3'
Protein context (NP_000042.3, residues 1247-1267): FYRSCYKVLI[Pro1257=]HLVIRSHFDE

ClinVar aggregate classification (germline): Benign/Likely benign. Review status: criteria provided, multiple submitters, no conflicts (2 of 4 stars). 7 submissions from 7 submitters: Benign (1); Likely benign (5). 1 of the submissions does not count toward it. Last evaluated 2025-12-12.

Conditions:
ATM-related disorder. Also called: ATM-related disorders; ATM-related condition.
Hereditary cancer-predisposing syndrome. Also called: Neoplastic Syndromes, Hereditary; Hereditary neoplastic syndrome; Tumor predisposition; Hereditary Cancer Syndrome. Identifiers: Orphanet 140162, MedGen C0027672, MeSH D009386, MONDO:0015356.
Ataxia-telangiectasia syndrome (AT). Also called: AT, COMPLEMENTATION GROUP C; ATAXIA-TELANGIECTASIA, COMPLEMENTATION GROUP A; ATAXIA-TELANGIECTASIA, FRESNO VARIANT; LOUIS-BAR SYNDROME; Ataxia-telangiectasia; Cerebello-oculocutaneous telangiectasia. Identifiers: Orphanet 100, MedGen C0004135, MONDO:0008840, OMIM 208900.
Familial cancer of breast. Also called: BREAST CANCER, FAMILIAL; hereditary breast carcinoma; Hereditary breast cancer. Identifiers: Orphanet 227535, MedGen C0346153, MONDO:0016419, OMIM 114480. Disease mechanism: loss of function.

Allele frequency attached by ClinVar (database versions not stated): gnomAD 0.00001; TOPMed 0.00001.
gnomAD v4.1: 2 of 1,611,178 alleles (0.00012%); highest among the groups gnomAD compares: African/African-American, 0.0013%; no homozygotes.

Submissions (7):

Women's Health and Genetics/Laboratory Corporation of America, LabCorp
Classification: Likely benign. Last evaluated: 2025-12-12. Review status: criteria provided, single submitter. Criteria: LabCorp Variant Classification Summary - May 2015. Collection method: clinical testing. Allele origin: germline.

Labcorp Genetics (formerly Invitae), Labcorp
Classification: Likely benign for Ataxia-telangiectasia syndrome. Last evaluated: 2025-06-30. Review status: criteria provided, single submitter. Criteria: Invitae Variant Classification Sherloc (09022015). Collection method: clinical testing. Allele origin: germline.

Myriad Genetics, Inc.
Classification: Benign for Familial cancer of breast. Last evaluated: 2024-05-15. Review status: criteria provided, single submitter. Criteria: Myriad Autosomal Dominant, Autosomal Recessive and X-Linked Classification Criteria (2023). Collection method: clinical testing. Allele origin: unknown.
Comment: This variant is considered benign. This variant is a silent/synonymous amino acid change and it is not expected to impact splicing.

Color Diagnostics, LLC DBA Color Health
Classification: Likely benign for Hereditary cancer-predisposing syndrome. Last evaluated: 2023-02-16. Review status: criteria provided, single submitter. Criteria: ACMG Guidelines, 2015. Collection method: clinical testing. Allele origin: germline.

Ambry Genetics
Classification: Likely benign for Hereditary cancer-predisposing syndrome. Last evaluated: 2019-06-15. Review status: criteria provided, single submitter. Criteria: Ambry Variant Classification Scheme 2023. Collection method: clinical testing. Allele origin: germline.

GeneDx
Classification: Likely benign. Last evaluated: 2016-08-31. Review status: criteria provided, single submitter. Criteria: GeneDx Variant Classification (06012015). Collection method: clinical testing. Allele origin: germline. Affected: yes.
Comment: This variant is considered likely benign or benign based on one or more of the following criteria: it is a conservative change, it occurs at a poorly conserved position in the protein, it is predicted to be benign by multiple in silico algorithms, and/or has population frequency not consistent with disease.

PreventionGenetics, part of Exact Sciences
Classification: Likely benign for ATM-related condition. Last evaluated: 2024-02-23. Review status: no assertion criteria provided. Collection method: clinical testing. Allele origin: germline. Not counted in ClinVar's aggregate classification.
Comment: This variant is classified as likely benign based on ACMG/AMP sequence variant interpretation guidelines (Richards et al. 2015 PMID: 25741868, with internal and published modifications).